The following is an entry in ClinVar:

ClinVar aggregate classification (germline): Pathogenic/Likely pathogenic. Review status: criteria provided, multiple submitters, no conflicts (2 of 4 stars). 5 submissions from 5 submitters: Pathogenic (1); Likely pathogenic (3). 1 of the submissions does not count toward it. Last evaluated 2025-12-31.

Conditions:
PLOD1-related disorder. Also called: PLOD1-related condition.
Ehlers-Danlos syndrome, kyphoscoliotic type 1 (EDSKSCL1). Also called: EHLERS-DANLOS SYNDROME, OCULAR-SCOLIOTIC TYPE; EHLERS-DANLOS SYNDROME, TYPE VIA; PLOD1-Related Kyphoscoliotic Ehlers-Danlos Syndrome; Ehlers-Danlos syndrome, hydroxylysine-deficient. Identifiers: Orphanet 1900, MedGen C0268342, MONDO:0016002, OMIM 225400. Disease mechanism: loss of function.

Allele frequency attached by ClinVar (database versions not stated): 1000 Genomes Project 30x 0.00016; 1000 Genomes Project 0.00020; gnomAD 0.00001 and 0.00003; gnomAD exomes 0.00001; TOPMed 0.00001; ExAC 0.00002.
gnomAD v4.1: 20 of 1,614,044 alleles (0.0012%); highest among the groups gnomAD compares: Non-Finnish European, 0.0015%; no homozygotes.

Submissions (5):

Labcorp Genetics (formerly Invitae), Labcorp
Classification: Pathogenic for Ehlers-Danlos syndrome, kyphoscoliotic type 1. Last evaluated: 2025-12-31. Review status: criteria provided, single submitter. Criteria: Invitae Variant Classification Sherloc (09022015). Collection method: clinical testing. Allele origin: germline.
Comment: This sequence change creates a premature translational stop signal (p.Arg670*) in the PLOD1 gene. While this is not anticipated to result in nonsense mediated decay, it is expected to disrupt the last 58 amino acid(s) of the PLOD1 protein. This variant is present in population databases (rs121913554, gnomAD 0.002%). This premature translational stop signal has been observed in individual(s) with clinical features of Ehlers-Danlos syndrome, kyphoscoliotic form (PMID: 10874315, 32381727). In at least one individual the data is consistent with being in trans (on the opposite chromosome) from a pathogenic variant. ClinVar contains an entry for this variant (Variation ID: 14373). This variant disrupts a region of the PLOD1 protein in which other variant(s) (p.Gly678Arg) have been determined to be pathogenic (PMID: 21699693, 25637337). This suggests that this is a clinically significant region of the protein, and that variants that disrupt it are likely to be disease-causing. For these reasons, this variant has been classified as Pathogenic.

GeneDx
Classification: Likely pathogenic. Last evaluated: 2024-07-25. Review status: criteria provided, single submitter. Criteria: GeneDx Variant Classification Process June 2021. Collection method: clinical testing. Allele origin: germline. Affected: yes.
Comment: Observed with a second PLOD1 variant on the opposite allele (in trans) or phase unknown in patients with features consistent with PLOD1-related kyphoscoliotic Ehlers-Danlos syndrome referred for genetic testing at GeneDx and in published literature (PMID: 10874315, 32381727); Nonsense variant predicted to result in protein truncation, as the last 58 amino acids are lost, and other loss-of-function variants have been reported downstream in HGMD; Not observed at significant frequency in large population cohorts (gnomAD); This variant is associated with the following publications: (PMID: 25525159, 10874315, 32381727)

Blueprint Genetics
Classification: Likely pathogenic for PLOD1-related disorders. Last evaluated: 2024-04-24. Review status: criteria provided, single submitter. Criteria: ACMG Guidelines, 2015. Collection method: clinical testing. Allele origin: germline. Affected: yes. Observed: 2 variant alleles.

CeGaT Center for Human Genetics Tuebingen
Classification: Likely pathogenic. Last evaluated: 2023-04-01. Review status: criteria provided, single submitter. Criteria: CeGaT Center For Human Genetics Tuebingen Variant Classification Criteria Version 2. Collection method: clinical testing. Allele origin: germline. Affected: yes. Observed: 1 variant allele.
Comment: PLOD1: PVS1:Strong, PM2, PM3

OMIM
Classification: Pathogenic for EHLERS-DANLOS SYNDROME, KYPHOSCOLIOTIC TYPE, 1. Last evaluated: 2017-12-21. Review status: no assertion criteria provided. Collection method: literature only. Allele origin: germline. Not counted in ClinVar's aggregate classification.

Literature cited by the submitters: PubMed 10874315 (cited by Labcorp Genetics (formerly Invitae), Labcorp); PubMed 32381727 (cited by Labcorp Genetics (formerly Invitae), Labcorp); PubMed 21699693 (cited by Labcorp Genetics (formerly Invitae), Labcorp); PubMed 25637337 (cited by Labcorp Genetics (formerly Invitae), Labcorp); Yeowell, H. N., Ha, V., Pinnell, S. R. Isolation of a cDNA for human lysyl hydroxylase (LH) and initial characterization of the mutation(s) responsible for decreased expression of LH in patients with EDS type VI. (Abstract) Clin. Res. 40: 189A, 1992. (cited by OMIM).

NM_000302.4(PLOD1):c.2008C>T (p.Arg670Ter)

Gene: PLOD1 (procollagen-lysine,2-oxoglutarate 5-dioxygenase 1; plus strand). Cytogenetic location: 1p36.22.
Variant type: single nucleotide variant.
Coding change: c.2008C>T on transcript NM_000302.4 (MANE Select); coding-DNA position 2008, C replaced by T.
Protein change: p.Arg670Ter; replaces arginine 670 with a stop codon.
Molecular consequence: nonsense.
Genome position (GRCh38, 1-based): chr1:11,972,977, C>T. VCF-style: chr1-11972977-C-T. GRCh37 (hg19) VCF-style: chr1-12033034-C-T.
Other names: c.2149C>T, p.Arg717Ter (NM_001316320.2); short protein forms R670*, R717*.
Identifiers: ClinVar variation 14373 (VCV000014373.38), dbSNP rs121913554, ClinGen allele CA281008.